The following is an entry in ClinVar:

NM_006015.6(ARID1A):c.2135G>C (p.Gly712Ala)

Gene: ARID1A (AT-rich interaction domain 1A; plus strand). Cytogenetic location: 1p36.11.
Variant type: single nucleotide variant.
Coding change: c.2135G>C on transcript NM_006015.6 (MANE Select); coding-DNA position 2135, G replaced by C.
Protein change: p.Gly712Ala; replaces glycine 712 with alanine.
Molecular consequence: missense variant.
Genome position (GRCh38, 1-based): chr1:26,761,070, G>C. VCF-style: chr1-26761070-G-C. GRCh37 (hg19) VCF-style: chr1-27087561-G-C.
Other names: c.2135G>C, p.Gly712Ala (NM_139135.4); short protein forms G712A.
Identifiers: ClinVar variation 2974271 (VCV002974271.3), dbSNP rs757840961, ClinGen allele CA706909.
Genomic context (GRCh38, chr1:26,761,070, plus strand): 5'-TCCGAGGCCCTTCCCCGTCCCCTGTTGGCTCTCCCGCCAGTGTTGCTCAGTCTCGCTCAG[G>C]ACCACTCTCGCCTGCTGCAGTGCCAGGTACCCTCAAGTGCTGGGCTTTAGGGAGAGGGAA-3'
Protein context (NP_006006.3, residues 702-722): SPASVAQSRS[Gly712Ala]PLSPAAVPGN

ClinVar aggregate classification (germline): Uncertain significance (1 of 4 stars; one submission).

Allele frequency attached by ClinVar (database versions not stated): TOPMed below 0.00001; gnomAD 0.00001; ExAC 0.00002; gnomAD exomes below 0.00001.
gnomAD v4.1: 2 of 1,614,008 alleles (0.00012%); highest among the groups gnomAD compares: Non-Finnish European, 0.00017%; no homozygotes.

Submission:

Labcorp Genetics (formerly Invitae), Labcorp
Classification: Uncertain significance. Last evaluated: 2025-06-04. Review status: criteria provided, single submitter. Criteria: Invitae Variant Classification Sherloc (09022015). Collection method: clinical testing. Allele origin: germline.
Comment: This sequence change replaces glycine, which is neutral and non-polar, with alanine, which is neutral and non-polar, at codon 712 of the ARID1A protein (p.Gly712Ala). This variant is present in population databases (rs757840961, gnomAD 0.002%). This variant has not been reported in the literature in individuals affected with ARID1A-related conditions. ClinVar contains an entry for this variant (Variation ID: 2974271). Invitae Evidence Modeling of protein sequence and biophysical properties (such as structural, functional, and spatial information, amino acid conservation, physicochemical variation, residue mobility, and thermodynamic stability) indicates that this missense variant is expected to disrupt ARID1A protein function with a positive predictive value of 80%. In summary, the available evidence is currently insufficient to determine the role of this variant in disease. Therefore, it has been classified as a Variant of Uncertain Significance.